The following is an entry in ClinVar:

ClinVar aggregate classification (germline): Likely pathogenic (1 of 4 stars; one submission).

Conditions:
Primary ciliary dyskinesia. Also called: Ciliary dyskinesia. Identifiers: Orphanet 244, MedGen C0008780, MONDO:0016575, HP:0012265.

Allele frequency attached by ClinVar (database versions not stated): TOPMed below 0.00001; ExAC 0.00001; gnomAD 0.00001.
gnomAD v4.1: 1 of 1,613,066 alleles (0.000062%); highest among the groups gnomAD compares: Non-Finnish European, 0.000085%; no homozygotes.

Submission:

Labcorp Genetics (formerly Invitae), Labcorp
Classification: Likely pathogenic for Primary ciliary dyskinesia. Last evaluated: 2024-01-25. Review status: criteria provided, single submitter. Criteria: Invitae Variant Classification Sherloc (09022015). Collection method: clinical testing. Allele origin: germline.
Comment: This sequence change affects a donor splice site in intron 39 of the DNAH11 gene. It is expected to disrupt RNA splicing. Variants that disrupt the donor or acceptor splice site typically lead to a loss of protein function (PMID: 16199547), and loss-of-function variants in DNAH11 are known to be pathogenic (PMID: 18022865, 20513915, 22184204). This variant is present in population databases (rs748950751, gnomAD 0.002%). This variant has not been reported in the literature in individuals affected with DNAH11-related conditions. Algorithms developed to predict the effect of sequence changes on RNA splicing suggest that this variant may disrupt the consensus splice site. In summary, the currently available evidence indicates that the variant is pathogenic, but additional data are needed to prove that conclusively. Therefore, this variant has been classified as Likely Pathogenic.

Literature cited by the submitters: PubMed 16199547; PubMed 18022865; PubMed 20513915; PubMed 22184204.

NM_001277115.2(DNAH11):c.6546+2T>C

Gene: DNAH11 (dynein axonemal heavy chain 11; plus strand). Cytogenetic location: 7p15.3.
Variant type: single nucleotide variant.
Coding change: c.6546+2T>C on transcript NM_001277115.2 (MANE Select); the canonical splice donor site of the intron after coding-DNA position 6546, T replaced by C.
Molecular consequence: splice donor variant.
Genome position (GRCh38, 1-based): chr7:21,705,539, T>C. VCF-style: chr7-21705539-T-C. GRCh37 (hg19) VCF-style: chr7-21745157-T-C.
Identifiers: ClinVar variation 2798304 (VCV002798304.3), dbSNP rs748950751, ClinGen allele CA4180857.